The following is an entry in ClinVar:

ClinVar aggregate classification (germline): Likely benign (0 of 4 stars; one submission).

Conditions:
PTPRJ-related disorder. Also called: PTPRJ-related condition.

Allele frequency attached by ClinVar (database versions not stated): TOPMed 0.00002; gnomAD 0.00003; ExAC 0.00005; 1000 Genomes Project 30x 0.00016; 1000 Genomes Project 0.00020.
gnomAD v4.1: 59 of 1,612,840 alleles (0.0037%); highest among the groups gnomAD compares: South Asian, 0.02%; no homozygotes.

Submission:

PreventionGenetics, part of Exact Sciences
Classification: Likely benign for PTPRJ-related condition. Last evaluated: 2023-07-07. Review status: no assertion criteria provided. Collection method: clinical testing. Allele origin: germline.
Comment: This variant is classified as likely benign based on ACMG/AMP sequence variant interpretation guidelines (Richards et al. 2015 PMID: 25741868, with internal and published modifications).

NM_002843.4(PTPRJ):c.2043C>T (p.Asp681=)

Gene: PTPRJ (protein tyrosine phosphatase receptor type J; plus strand). Cytogenetic location: 11p11.2.
Variant type: single nucleotide variant.
Coding change: c.2043C>T on transcript NM_002843.4 (MANE Select); coding-DNA position 2043, C replaced by T.
Protein change: p.Asp681=; no amino-acid change (aspartic acid 681 retained).
Molecular consequence: synonymous variant.
Genome position (GRCh38, 1-based): chr11:48,137,172, C>T. VCF-style: chr11-48137172-C-T. GRCh37 (hg19) VCF-style: chr11-48158724-C-T.
Identifiers: ClinVar variation 3050954 (VCV003050954.2), dbSNP rs140686417, ClinGen allele CA5982324.
Genomic context (GRCh38, chr11:48,137,172, plus strand): 5'-TGAGAAGGCTGGAAATTCCAGCAACGCAACACAAGTAGTCACGGACATTGGAATTACTGA[C>T]GCTACAGTCACTGAATTAATACCTGGCTCATCATACACAGTGGAGATCTTTGCACAAGTA-3'
Protein context (NP_002834.3, residues 671-691): TQVVTDIGIT[Asp681=]ATVTELIPGS